The following is an entry in ClinVar:

ClinVar aggregate classification (germline): Pathogenic. Review status: criteria provided, multiple submitters, no conflicts (2 of 4 stars). 2 submissions from 2 submitters: Pathogenic (2). Last evaluated 2025-07-09.

Conditions:
Cardiovascular phenotype. Identifiers: MedGen CN230736.
Dilated cardiomyopathy 1HH (CMD1HH). Identifiers: Orphanet 154, MedGen C3151293, MONDO:0013479, OMIM 613881.
Myofibrillar myopathy 6. Identifiers: Orphanet 199340, MedGen C2751831, MONDO:0013061, OMIM 612954.

Submissions (2):

Labcorp Genetics (formerly Invitae), Labcorp
Classification: Pathogenic for Dilated cardiomyopathy 1HH; Myofibrillar myopathy 6. Last evaluated: 2025-07-09. Review status: criteria provided, single submitter. Criteria: Invitae Variant Classification Sherloc (09022015). Collection method: clinical testing. Allele origin: germline.
Comment: This sequence change creates a premature translational stop signal (p.Gln132*) in the BAG3 gene. It is expected to result in an absent or disrupted protein product. Loss-of-function variants in BAG3 are known to be pathogenic (PMID: 21353195, 25008357). This variant is not present in population databases (gnomAD no frequency). This variant has not been reported in the literature in individuals affected with BAG3-related conditions. ClinVar contains an entry for this variant (Variation ID: 1736414). For these reasons, this variant has been classified as Pathogenic.

Ambry Genetics
Classification: Pathogenic for Cardiovascular phenotype. Last evaluated: 2021-10-22. Review status: criteria provided, single submitter. Criteria: Ambry Variant Classification Scheme 2023. Collection method: clinical testing. Allele origin: germline.
Comment: The p.Q132* pathogenic mutation (also known as c.394C>T), located in coding exon 2 of the BAG3 gene, results from a C to T substitution at nucleotide position 394. This changes the amino acid from a glutamine to a stop codon within coding exon 2. This variant is considered to be rare based on population cohorts in the Genome Aggregation Database (gnomAD). This alteration is expected to result in loss of function by premature protein truncation or nonsense-mediated mRNA decay. As such, this alteration is interpreted as a disease-causing mutation.

Literature cited by the submitters: PubMed 21353195 (cited by Labcorp Genetics (formerly Invitae), Labcorp); PubMed 25008357 (cited by Labcorp Genetics (formerly Invitae), Labcorp).

NM_004281.4(BAG3):c.394C>T (p.Gln132Ter)

Gene: BAG3 (BAG cochaperone 3; plus strand). Cytogenetic location: 10q26.11.
Variant type: single nucleotide variant.
Coding change: c.394C>T on transcript NM_004281.4 (MANE Select); coding-DNA position 394, C replaced by T.
Protein change: p.Gln132Ter; replaces glutamine 132 with a stop codon.
Molecular consequence: nonsense.
Genome position (GRCh38, 1-based): chr10:119,670,064, C>T. VCF-style: chr10-119670064-C-T. GRCh37 (hg19) VCF-style: chr10-121429576-C-T.
Other names: short protein forms Q132*.
Identifiers: ClinVar variation 1736414 (VCV001736414.3), dbSNP rs2494009610, ClinGen allele CA378295001.